The following is an entry in ClinVar:

ClinVar aggregate classification (germline): Uncertain significance (1 of 4 stars; one submission).

Conditions:
Inborn genetic diseases. Identifiers: MedGen C0950123, MeSH D030342.

gnomAD v4.1: 1 of 1,609,740 alleles (0.000062%); highest among the groups gnomAD compares: South Asian, 0.0011%; no homozygotes.

Submission:

Ambry Genetics
Classification: Uncertain significance for Inborn genetic diseases. Last evaluated: 2026-08-31. Review status: criteria provided, single submitter. Criteria: Ambry Variant Classification Scheme 2023. Collection method: clinical testing. Allele origin: germline.
Comment: The p.D1237E variant (also known as c.3711T>A), located in coding exon 1 of the SAMD9 gene, results from a T to A substitution at nucleotide position 3711. The aspartic acid at codon 1237 is replaced by glutamic acid, an amino acid with highly similar properties. This amino acid position is conserved. In addition, this alteration is predicted to be tolerated by in silico analysis. Based on the available evidence, the clinical significance of this variant remains unclear.

NM_017654.4(SAMD9):c.3711T>A (p.Asp1237Glu)

Gene: SAMD9 (sterile alpha motif domain containing 9; minus strand). Cytogenetic location: 7q21.2.
Variant type: single nucleotide variant.
Coding change: c.3711T>A on transcript NM_017654.4 (MANE Select); coding-DNA position 3711, T replaced by A.
Protein change: p.Asp1237Glu; replaces aspartic acid 1237 with glutamic acid.
Molecular consequence: missense variant.
Genome position (GRCh38, 1-based): chr7:93,102,387, A>T on the plus strand (T>A on the coding strand, the complement: SAMD9 is on the minus strand). VCF-style: chr7-93102387-A-T. GRCh37 (hg19) VCF-style: chr7-92731700-A-T.
Other names: c.3711T>A, p.Asp1237Glu (NM_001193307.2); short protein forms D1237E.
Identifiers: ClinVar variation 5028814 (VCV005028814.1).